The following is an entry in ClinVar:

NM_001172509.2(SATB2):c.140C>T (p.Pro47Leu)

Gene: SATB2 (SATB homeobox 2; minus strand). Cytogenetic location: 2q33.1.
Variant type: single nucleotide variant.
Coding change: c.140C>T on transcript NM_001172509.2 (MANE Select); coding-DNA position 140, C replaced by T.
Protein change: p.Pro47Leu; replaces proline 47 with leucine.
Molecular consequence: missense variant. On other transcripts: non-coding transcript variant (1).
Genome position (GRCh38, 1-based): chr2:199,455,898, G>A on the plus strand (C>T on the coding strand, the complement: SATB2 is on the minus strand). VCF-style: chr2-199455898-G-A. GRCh37 (hg19) VCF-style: chr2-200320621-G-A.
Other names: c.140C>T, p.Pro47Leu (NM_001172517.1, NM_015265.4); short protein forms P47L.
Identifiers: ClinVar variation 936574 (VCV000936574.10), dbSNP rs1692259118, ClinGen allele CA350388397.
Genomic context (GRCh38, chr2:199,455,898, plus strand): 5'-GGCTGCGCGCCTCCCTGCTCCGGGCTGTTACCTCCCACGGCCTTGGCCACGGCGCCGTTG[G>A]GCCTCCCGCGGGCTCCCATGGGGCTGCCGTTCTGCTCCAGCCGGGCCACCTTCACTGGGG-3'
Protein context (NP_001165980.1, residues 37-57): NGSPMGARGR[Pro47Leu]NGAVAKAVGG

ClinVar aggregate classification (germline): Uncertain significance (1 of 4 stars; one submission).

Conditions:
Chromosome 2q32-q33 deletion syndrome (GLASS). Also called: Glass syndrome; 2q33.1 deletion syndrome. Identifiers: Orphanet 251019, MedGen C2676739, MONDO:0012864, OMIM 612313.

Allele frequency attached by ClinVar (database versions not stated): gnomAD exomes below 0.00001.
gnomAD v4.1: 2 of 1,538,042 alleles (0.00013%); highest among the groups gnomAD compares: South Asian, 0.0012%; no homozygotes.

Submission:

Labcorp Genetics (formerly Invitae), Labcorp
Classification: Uncertain significance for Chromosome 2q32-q33 deletion syndrome. Last evaluated: 2022-08-09. Review status: criteria provided, single submitter. Criteria: Invitae Variant Classification Sherloc (09022015). Collection method: clinical testing. Allele origin: germline.
Comment: In summary, the available evidence is currently insufficient to determine the role of this variant in disease. Therefore, it has been classified as a Variant of Uncertain Significance. Advanced modeling of protein sequence and biophysical properties (such as structural, functional, and spatial information, amino acid conservation, physicochemical variation, residue mobility, and thermodynamic stability) performed at Invitae indicates that this missense variant is not expected to disrupt SATB2 protein function. ClinVar contains an entry for this variant (Variation ID: 936574). This variant has not been reported in the literature in individuals affected with SATB2-related conditions. This variant is not present in population databases (gnomAD no frequency). This sequence change replaces proline, which is neutral and non-polar, with leucine, which is neutral and non-polar, at codon 47 of the SATB2 protein (p.Pro47Leu).